The following is an entry in ClinVar:

NM_033056.4(PCDH15):c.4717C>G (p.Leu1573Val)

Gene: PCDH15 (protocadherin related 15; minus strand). Cytogenetic location: 10q21.1.
Variant type: single nucleotide variant.
Coding change: c.4717C>G on transcript NM_033056.4 (MANE Plus Clinical); coding-DNA position 4717, C replaced by G.
Protein change: p.Leu1573Val; replaces leucine 1573 with valine.
Molecular consequence: missense variant. On other transcripts: intron variant (8).
Genome position (GRCh38, 1-based): chr10:53,823,009, G>C on the plus strand (C>G on the coding strand, the complement: PCDH15 is on the minus strand). VCF-style: chr10-53823009-G-C. GRCh37 (hg19) VCF-style: chr10-55582769-G-C.
Other names: c.4738C>G, p.Leu1580Val (NM_001142763.2); c.4723C>G, p.Leu1575Val (NM_001142764.2); c.4510C>G, p.Leu1504Val (NM_001142765.2); c.4708C>G, p.Leu1570Val (NM_001142766.2); c.4597C>G, p.Leu1533Val (NM_001142767.2); c.4657C>G, p.Leu1553Val (NM_001142768.2); c.4648C>G, p.Leu1550Val (NM_001142773.2); c.4651C>G, p.Leu1551Val (NM_001354404.2); and 6 more; short protein forms L1504V, L1533V, L1550V, L1551V, L1553V, L1570V, L1573V, L1575V.
Identifiers: ClinVar variation 1284331 (VCV001284331.30), dbSNP rs202010562, ClinGen allele CA5505209.
Genomic context (GRCh38, chr10:53,823,009, plus strand): 5'-CTGGTCTATTTGGAACTTTCCTCATCAGCCTCCTGGGTAAGCTGACTGACTGACTCCACA[G>C]CCTCTGAATCTTTTCTCTTGGGCCCCTCAGAGACTTACTCTTGGCTTGTATTTTGGGTGA-3'
Protein context (NP_149045.3, residues 1563-1583): LRGPREKIQR[Leu1573Val]WSQSVSLPRR

ClinVar aggregate classification (germline): Uncertain significance. Review status: criteria provided, multiple submitters, no conflicts (2 of 4 stars). 5 submissions from 5 submitters: Uncertain significance (3). 2 of the submissions do not count toward it. Last evaluated 2026-06-11.

Allele frequency attached by ClinVar (database versions not stated): ExAC 0.00002; gnomAD exomes 0.00003 and 0.00005; gnomAD 0.00002; TOPMed 0.00003.
gnomAD v4.1: 72 of 1,613,840 alleles (0.0045%); highest among the groups gnomAD compares: Non-Finnish European, 0.0058%; no homozygotes.

Submissions (5):

GeneDx
Classification: Uncertain significance. Last evaluated: 2026-06-11. Review status: criteria provided, single submitter. Criteria: GeneDx Variant Classification Process June 2021. Collection method: clinical testing. Allele origin: germline.
Comment: Not observed at significant frequency in large population cohorts (gnomAD); In silico analysis suggests that this missense variant does not alter protein structure/function; Has not been previously published as pathogenic or benign to our knowledge

CeGaT Center for Human Genetics Tuebingen
Classification: Uncertain significance. Last evaluated: 2023-04-01. Review status: criteria provided, single submitter. Criteria: CeGaT Center For Human Genetics Tuebingen Variant Classification Criteria Version 2. Collection method: clinical testing. Allele origin: germline. Affected: yes. Observed: 1 variant allele.
Comment: PCDH15: PM2, BP4

Labcorp Genetics (formerly Invitae), Labcorp
Classification: Uncertain significance. Last evaluated: 2022-10-17. Review status: criteria provided, single submitter. Criteria: Invitae Variant Classification Sherloc (09022015). Collection method: clinical testing. Allele origin: germline.
Comment: This sequence change replaces leucine, which is neutral and non-polar, with valine, which is neutral and non-polar, at codon 1573 of the PCDH15 protein (p.Leu1573Val). This variant is present in population databases (rs202010562, gnomAD 0.007%). This variant has not been reported in the literature in individuals affected with PCDH15-related conditions. ClinVar contains an entry for this variant (Variation ID: 1284331). Algorithms developed to predict the effect of missense changes on protein structure and function output the following: SIFT: "Tolerated"; PolyPhen-2: "Benign"; Align-GVGD: "Class C0". The valine amino acid residue is found in multiple mammalian species, which suggests that this missense change does not adversely affect protein function. In summary, the available evidence is currently insufficient to determine the role of this variant in disease. Therefore, it has been classified as a Variant of Uncertain Significance.

Clinical Genetics DNA and cytogenetics Diagnostics Lab, Erasmus MC, Erasmus Medical Center
Classification: Likely benign. Review status: no assertion criteria provided. Collection method: clinical testing. Allele origin: germline. Affected: yes. Study: VKGL Data-share Consensus. Not counted in ClinVar's aggregate classification.

Clinical Genetics, Academic Medical Center
Classification: Likely benign. Review status: no assertion criteria provided. Collection method: clinical testing. Allele origin: germline. Affected: yes. Study: VKGL Data-share Consensus. Not counted in ClinVar's aggregate classification.